The following is an entry in ClinVar:

NM_000465.4(BARD1):c.308G>A (p.Ser103Asn)

Gene: BARD1 (BRCA1 associated RING domain 1; minus strand). Cytogenetic location: 2q35.
Variant type: single nucleotide variant.
Coding change: c.308G>A on transcript NM_000465.4 (MANE Select); coding-DNA position 308, G replaced by A.
Protein change: p.Ser103Asn; replaces serine 103 with asparagine.
Molecular consequence: missense variant. On other transcripts: non-coding transcript variant (1), intron variant (2).
Genome position (GRCh38, 1-based): chr2:214,792,353, C>T on the plus strand (G>A on the coding strand, the complement: BARD1 is on the minus strand). VCF-style: chr2-214792353-C-T. GRCh37 (hg19) VCF-style: chr2-215657077-C-T.
Other names: p.S103N:AGC>AAC; c.251G>A, p.Ser84Asn (NM_001282543.2); c.308G>A, p.Ser103Asn (NM_001282549.2); c.158+17059G>A (NM_001282548.2); c.215+4708G>A (NM_001282545.2); short protein forms S103N, S84N.
Identifiers: ClinVar variation 142216 (VCV000142216.37), dbSNP rs145629242, ClinGen allele CA294324.

ClinVar aggregate classification (germline): Conflicting classifications of pathogenicity. Review status: criteria provided, conflicting classifications (1 of 4 stars). 13 submissions from 13 submitters: Uncertain significance (7); Benign (1); Likely benign (5). Last evaluated 2026-02-03.

Conditions:
BARD1-related disorder. Also called: BARD1-related condition.
Hereditary cancer-predisposing syndrome. Also called: Tumor predisposition; Neoplastic Syndromes, Hereditary; Hereditary neoplastic syndrome; Hereditary Cancer Syndrome. Identifiers: Orphanet 140162, MedGen C0027672, MeSH D009386, MONDO:0015356.
Familial cancer of breast. Also called: BREAST CANCER, FAMILIAL; Hereditary breast cancer; hereditary breast carcinoma. Identifiers: Orphanet 227535, MedGen C0346153, MONDO:0016419, OMIM 114480. Disease mechanism: loss of function.

Allele frequency attached by ClinVar (database versions not stated): gnomAD exomes 0.00001 and 0.00003; ExAC 0.00006; ESP Exome Variant Server 0.00015; 1000 Genomes Project 30x 0.00016; TOPMed 0.00018; gnomAD 0.00019 and 0.00020; 1000 Genomes Project 0.00020.
gnomAD v4.1: 59 of 1,613,096 alleles (0.0037%); highest among the groups gnomAD compares: African/African-American, 0.066%; no homozygotes.

Submissions (13):

Labcorp Genetics (formerly Invitae), Labcorp
Classification: Uncertain significance for Familial cancer of breast. Last evaluated: 2026-02-03. Review status: criteria provided, single submitter. Criteria: Invitae Variant Classification Sherloc (09022015). Collection method: clinical testing. Allele origin: germline.
Comment: This sequence change replaces serine, which is neutral and polar, with asparagine, which is neutral and polar, at codon 103 of the BARD1 protein (p.Ser103Asn). This variant is present in population databases (rs145629242, gnomAD 0.06%), and has an allele count higher than expected for a pathogenic variant. This missense change has been observed in individual(s) with breast cancer (PMID: 35264596). ClinVar contains an entry for this variant (Variation ID: 142216). An algorithm developed to predict the effect of missense changes on protein structure and function (PolyPhen-2) suggests that this variant is likely to be tolerated. Experimental studies are conflicting or provide insufficient evidence to determine the effect of this variant on BARD1 function (PMID: 30925164). In summary, the available evidence is currently insufficient to determine the role of this variant in disease. Therefore, it has been classified as a Variant of Uncertain Significance.

Women's Health and Genetics/Laboratory Corporation of America, LabCorp
Classification: Uncertain significance. Last evaluated: 2025-10-20. Review status: criteria provided, single submitter. Criteria: LabCorp Variant Classification Summary - May 2015. Collection method: clinical testing. Allele origin: germline.
Comment: Variant summary: BARD1 c.308G>A (p.Ser103Asn) results in a conservative amino acid change in the encoded protein sequence. Algorithms developed to predict the effect of missense changes on protein structure and function are either unavailable or do not agree on the potential impact of this missense change. The variant allele was found at a frequency of 3.2e-05 in 251182 control chromosomes (gnomAD). The available data on variant occurrences in the general population are insufficient to allow any conclusion about variant significance. c.308G>A has been observed in individuals affected with breast cancer as well as unaffected controls (e.g., Dorling_2021, Guindalini_2022). These reports do not provide unequivocal conclusions about association of the variant with Hereditary Breast And Ovarian Cancer Syndrome. At least one publication reports experimental evidence evaluating an impact on protein function. These results showed no damaging effect of this variant. The following publications have been ascertained in the context of this evaluation (PMID: 30925164, 35264596, 35264596). ClinVar contains an entry for this variant (Variation ID: 142216). Based on the evidence outlined above, the variant was classified as uncertain significance.

PreventionGenetics, part of Exact Sciences
Classification: Likely benign for BARD1-related condition. Last evaluated: 2025-06-21. Review status: criteria provided, single submitter. Criteria: ACMG Guidelines, 2015. Collection method: clinical testing. Allele origin: germline.
Comment: This variant is classified as likely benign based on ACMG/AMP sequence variant interpretation guidelines (Richards et al. 2015 PMID: 25741868, with internal and published modifications).

Institute for Biomarker Research, Medical Diagnostic Laboratories, L.L.C.
Classification: Uncertain significance for Hereditary cancer-predisposing syndrome. Last evaluated: 2024-11-05. Review status: criteria provided, single submitter. Criteria: ACMG Guidelines, 2015. Collection method: clinical testing. Allele origin: germline.
Comment: The missense variant NM_000465.4(BARD1):c.308G>A (p.Ser103Asn) has not been reported previously as a pathogenic variant nor as a benign variant, to our knowledge. The variant is observed in one or more well-documented healthy adults. There is a small physicochemical difference between serine and asparagine, which is not likely to impact secondary protein structure as these residues share similar properties. For these reasons, this variant has been classified as Uncertain Significance.

Myriad Genetics, Inc.
Classification: Likely benign for Familial cancer of breast. Last evaluated: 2024-07-19. Review status: criteria provided, single submitter. Criteria: Myriad Autosomal Dominant, Autosomal Recessive and X-Linked Classification Criteria (2023). Collection method: clinical testing. Allele origin: unknown.
Comment: This variant is considered likely benign. This variant is strongly associated with less severe personal and family histories of cancer, typical for individuals without pathogenic variants in this gene [PMID: 25085752].

Baylor Genetics
Classification: Uncertain significance for Familial cancer of breast. Last evaluated: 2024-03-22. Review status: criteria provided, single submitter. Criteria: ACMG Guidelines, 2015. Collection method: clinical testing. Allele origin: unknown.

GeneDx
Classification: Uncertain significance. Last evaluated: 2023-10-27. Review status: criteria provided, single submitter. Criteria: GeneDx Variant Classification Process June 2021. Collection method: clinical testing. Allele origin: germline. Affected: yes.
Comment: Published functional studies demonstrate homology-directed repair activity comparable to wild-type (PMID: 30925164); In silico analysis supports that this missense variant does not alter protein structure/function; This variant is associated with the following publications: (PMID: 18480049, 14647430, 33471991, 35264596, 30925164)

Department of Pathology and Laboratory Medicine, Sinai Health System
Classification: Likely benign for Familial cancer of breast. Last evaluated: 2023-09-27. Review status: criteria provided, single submitter. Criteria: ACMG Guidelines, 2015. Collection method: clinical testing. Allele origin: germline. Affected: yes.

Quest Diagnostics Nichols Institute San Juan Capistrano
Classification: Benign. Last evaluated: 2022-05-04. Review status: criteria provided, single submitter. Criteria: Quest Diagnostics criteria. Collection method: clinical testing. Allele origin: unknown.

Color Diagnostics, LLC DBA Color Health
Classification: Likely benign for Hereditary cancer-predisposing syndrome. Last evaluated: 2022-04-06. Review status: criteria provided, single submitter. Criteria: ACMG Guidelines, 2015. Collection method: clinical testing. Allele origin: germline.

Sema4
Classification: Uncertain significance for Hereditary cancer-predisposing syndrome. Last evaluated: 2022-02-13. Review status: criteria provided, single submitter. Criteria: Sema4 Curation Guidelines. Collection method: curation. Allele origin: germline.
Comment: The BARD1 c.308G>A (p.S103N) variant has been reported in heterozygosity in at least one individual with breast cancer and was also reported in healthy controls (PMID: 33471991). A homology-directed repair assay demonstrated the normal function of the protein (PMID: 30925164). It was observed in 15/24916 chromosomes of the African/African American subpopulation in the large and broad cohorts of the Genome Aggregation Database (PMID: 32461654). The variant has been reported in ClinVar (Variation ID 142216). In silico predictions of the variant's effect on protein function are inconclusive. The evidence is insufficient to meet ACMG/AMP criteria for classifying the variant as benign or pathogenic. Thus, the clinical significance of this variant is currently uncertain.

Ambry Genetics
Classification: Likely benign for Hereditary cancer-predisposing syndrome. Last evaluated: 2020-10-31. Review status: criteria provided, single submitter. Criteria: Ambry Variant Classification Scheme 2023. Collection method: clinical testing. Allele origin: germline.

Mendelics
Classification: Uncertain significance for Familial cancer of breast. Last evaluated: 2018-07-02. Review status: criteria provided, single submitter. Criteria: Mendelics Assertion Criteria 2017. Collection method: clinical testing. Allele origin: unknown.

Literature cited by the submitters: PubMed 35264596 (cited by Labcorp Genetics (formerly Invitae), Labcorp and Women's Health and Genetics/Laboratory Corporation of America, LabCorp); PubMed 30925164 (cited by 5 submitters); PubMed 25085752 (cited by Myriad Genetics, Inc.); PubMed 33471991 (cited by 3 submitters).